The following is an entry in ClinVar:

NM_020919.4(ALS2):c.1653G>T (p.Leu551Phe)

Gene: ALS2 (alsin Rho guanine nucleotide exchange factor ALS2; minus strand). Cytogenetic location: 2q33.1.
Variant type: single nucleotide variant.
Coding change: c.1653G>T on transcript NM_020919.4 (MANE Select); coding-DNA position 1653, G replaced by T.
Protein change: p.Leu551Phe; replaces leucine 551 with phenylalanine.
Molecular consequence: missense variant.
Genome position (GRCh38, 1-based): chr2:201,753,230, C>A on the plus strand (G>T on the coding strand, the complement: ALS2 is on the minus strand). VCF-style: chr2-201753230-C-A. GRCh37 (hg19) VCF-style: chr2-202617953-C-A.
Other names: c.1653G>T, p.Leu551Phe (NM_001410975.1); short protein forms L551F.
Identifiers: ClinVar variation 3703325 (VCV003703325.2).

ClinVar aggregate classification (germline): Uncertain significance (1 of 4 stars; one submission).

Conditions:
Infantile-onset ascending hereditary spastic paralysis (IAHSP). Also called: Autosomal Recessive Juvenile Amyotrophic Lateral Sclerosis; Infantile-Onset Ascending Hereditary Spastic Paralysis (IAHSP). Identifiers: Orphanet 293168, MedGen C2931441, MONDO:0011797, OMIM 607225. Disease mechanism: loss of function.

Submission:

Labcorp Genetics (formerly Invitae), Labcorp
Classification: Uncertain significance for Infantile-onset ascending hereditary spastic paralysis. Last evaluated: 2026-01-05. Review status: criteria provided, single submitter. Criteria: Invitae Variant Classification Sherloc (09022015). Collection method: clinical testing. Allele origin: germline.
Comment: This sequence change replaces leucine, which is neutral and non-polar, with phenylalanine, which is neutral and non-polar, at codon 551 of the ALS2 protein (p.Leu551Phe). This variant is not present in population databases (gnomAD no frequency). This variant has not been reported in the literature in individuals affected with ALS2-related conditions. ClinVar contains an entry for this variant (Variation ID: 3703325). Invitae Evidence Modeling of protein sequence and biophysical properties (such as structural, functional, and spatial information, amino acid conservation, physicochemical variation, residue mobility, and thermodynamic stability) has been performed for this missense variant. However, the output from this modeling did not meet the statistical confidence thresholds required to predict the impact of this variant on ALS2 protein function. In summary, the available evidence is currently insufficient to determine the role of this variant in disease. Therefore, it has been classified as a Variant of Uncertain Significance.